The following is an entry in ClinVar:

ClinVar aggregate classification (germline): Uncertain significance (1 of 4 stars; one submission).

Conditions:
Neurofibromatosis, type 2 (SWNV). Also called: BILATERAL ACOUSTIC NEUROFIBROMATOSIS; SCHWANNOMATOSIS, VESTIBULAR; NF2-Related Schwannomatosis. Identifiers: Orphanet 637, MedGen C0027832, MONDO:0007039, OMIM 101000. Disease mechanism: loss of function.

Submission:

Labcorp Genetics (formerly Invitae), Labcorp
Classification: Uncertain significance for Neurofibromatosis, type 2. Last evaluated: 2021-03-26. Review status: criteria provided, single submitter. Criteria: Invitae Variant Classification Sherloc (09022015). Collection method: clinical testing. Allele origin: germline.
Comment: In summary, the available evidence is currently insufficient to determine the role of this variant in disease. Therefore, it has been classified as a Variant of Uncertain Significance. Algorithms developed to predict the effect of missense changes on protein structure and function are either unavailable or do not agree on the potential impact of this missense change (SIFT: "Tolerated"; PolyPhen-2: "Possibly Damaging"; Align-GVGD: "Class C0"). This sequence change replaces glutamine with proline at codon 165 of the NF2 protein (p.Gln165Pro). The glutamine residue is moderately conserved and there is a moderate physicochemical difference between glutamine and proline. This variant is not present in population databases (ExAC no frequency). This variant has not been reported in the literature in individuals with NF2-related conditions.

NM_000268.4(NF2):c.494A>C (p.Gln165Pro)

Gene: NF2 (NF2, moesin-ezrin-radixin like (MERLIN) tumor suppressor; plus strand). Cytogenetic location: 22q12.2.
Variant type: single nucleotide variant.
Coding change: c.494A>C on transcript NM_000268.4 (MANE Select); coding-DNA position 494, A replaced by C.
Protein change: p.Gln165Pro; replaces glutamine 165 with proline.
Molecular consequence: missense variant. On other transcripts: non-coding transcript variant (1), intron variant (1).
Genome position (GRCh38, 1-based): chr22:29,654,703, A>C. VCF-style: chr22-29654703-A-C. GRCh37 (hg19) VCF-style: chr22-30050692-A-C.
Other names: c.494A>C, p.Gln165Pro (NM_016418.5, NM_181825.3, NM_181832.3); c.368A>C, p.Gln123Pro (NM_181828.3); c.371A>C, p.Gln124Pro (NM_181829.3); c.245A>C, p.Gln82Pro (NM_181830.3, NM_181831.3); c.447+12418A>C (NM_181833.3); short protein forms Q123P, Q165P, Q124P, Q82P.
Identifiers: ClinVar variation 1442375 (VCV001442375.8), dbSNP rs2146967118, ClinGen allele CA411142209.